The following is an entry in ClinVar:

NM_000051.4(ATM):c.4335_4338del (p.Phe1445fs)

Gene: ATM (ATM serine/threonine kinase; plus strand). Cytogenetic location: 11q22.3.
Variant type: Microsatellite.
Coding change: c.4335_4338del on transcript NM_000051.4 (MANE Select); coding-DNA positions 4335 to 4338, 4 bases deleted (TGTT; older notation c.4335_4338delTGTT).
Protein change: p.Phe1445fs; shifts the reading frame from phenylalanine 1445.
Molecular consequence: frameshift variant.
Genome position (GRCh38, 1-based): chr11:108,289,700-108,289,703, TGTT deleted; deleting any 4 consecutive bases within chr11:108,289,696-108,289,703 gives the same sequence; the c. name uses the placement nearest the transcript's 3' end. VCF-style (leftmost placement, unchanged base first): chr11-108289695-CTGTT-C. GRCh37 (hg19) VCF-style: chr11-108160422-CTGTT-C.
Other names: c.4335_4338del, p.Phe1445fs (NM_001351834.2); short protein forms F1445fs.
Identifiers: ClinVar variation 1459140 (VCV001459140.9), dbSNP rs2135762355, ClinGen allele CA2580616438.
Genomic context (GRCh38, chr11:108,289,695, plus strand): 5'-GAGCAAGCAGCTGAAACAAATAATGTTTATAAGAAGCACAGAATTCTTAAAATATATCAC[CTGTT>C]TGTTAGTTTATTACTGAAAGATATAAAAAGTGGCTTAGGAGGAGCTTGGGCCTTTGTTCT-3'

ClinVar aggregate classification (germline): Pathogenic. Review status: criteria provided, multiple submitters, no conflicts (2 of 4 stars). 3 submissions from 3 submitters: Pathogenic (3). Last evaluated 2025-10-17.

Conditions:
Familial cancer of breast. Also called: hereditary breast carcinoma; BREAST CANCER, FAMILIAL; Hereditary breast cancer. Identifiers: Orphanet 227535, MedGen C0346153, MONDO:0016419, OMIM 114480. Disease mechanism: loss of function.
Ataxia-telangiectasia syndrome (AT). Also called: Ataxia-telangiectasia, complementation group E; LOUIS-BAR SYNDROME; Ataxia-telangiectasia, complementation group D; AT, COMPLEMENTATION GROUP C; Ataxia-telangiectasia; Cerebello-oculocutaneous telangiectasia. Identifiers: Orphanet 100, MedGen C0004135, MONDO:0008840, OMIM 208900.
Hereditary cancer-predisposing syndrome. Also called: Hereditary Cancer Syndrome; Hereditary neoplastic syndrome; Tumor predisposition; Neoplastic Syndromes, Hereditary. Identifiers: Orphanet 140162, MedGen C0027672, MeSH D009386, MONDO:0015356.

Submissions (3):

Ambry Genetics
Classification: Pathogenic for Hereditary cancer-predisposing syndrome. Last evaluated: 2025-10-17. Review status: criteria provided, single submitter. Criteria: Ambry Variant Classification Scheme 2023. Collection method: clinical testing. Allele origin: germline.
Comment: The c.4335_4338delTGTT pathogenic mutation, located in coding exon 28 of the ATM gene, results from a deletion of 4 nucleotides at nucleotide positions 4335 to 4338, causing a translational frameshift with a predicted alternate stop codon (p.F1445Lfs*5). This variant is considered to be rare based on population cohorts in the Genome Aggregation Database (gnomAD). This alteration is expected to result in loss of function by premature protein truncation or nonsense-mediated mRNA decay. As such, this alteration is interpreted as a disease-causing mutation.

Labcorp Genetics (formerly Invitae), Labcorp
Classification: Pathogenic for Ataxia-telangiectasia syndrome. Last evaluated: 2025-02-23. Review status: criteria provided, single submitter. Criteria: Invitae Variant Classification Sherloc (09022015). Collection method: clinical testing. Allele origin: germline.
Comment: This sequence change creates a premature translational stop signal (p.Phe1445Leufs*5) in the ATM gene. It is expected to result in an absent or disrupted protein product. Loss-of-function variants in ATM are known to be pathogenic (PMID: 23807571, 25614872). This variant is not present in population databases (gnomAD no frequency). This variant has not been reported in the literature in individuals affected with ATM-related conditions. For these reasons, this variant has been classified as Pathogenic.

Myriad Genetics, Inc.
Classification: Pathogenic for Familial cancer of breast. Last evaluated: 2024-01-24. Review status: criteria provided, single submitter. Criteria: Myriad Autosomal Dominant, Autosomal Recessive and X-Linked Classification Criteria (2023). Collection method: clinical testing. Allele origin: unknown.
Comment: This variant is considered pathogenic. This variant creates a frameshift predicted to result in premature protein truncation.

Literature cited by the submitters: PubMed 23807571 (cited by Labcorp Genetics (formerly Invitae), Labcorp); PubMed 25614872 (cited by Labcorp Genetics (formerly Invitae), Labcorp).